The following is an entry in ClinVar:

NM_001384474.1(LOXHD1):c.71del (p.Leu24fs)

Gene: LOXHD1 (lipoxygenase homology PLAT domains 1; minus strand). Cytogenetic location: 18q21.1.
Variant type: Deletion.
Coding change: c.71del on transcript NM_001384474.1 (MANE Select); coding-DNA position 71, one base deleted (T; older notation c.71delT).
Protein change: p.Leu24fs; shifts the reading frame from leucine 24.
Molecular consequence: frameshift variant.
Genome position (GRCh38, 1-based): chr18:46,656,963, A deleted on the plus strand (T on the coding strand, the reverse complement: LOXHD1 is on the minus strand). VCF-style (leftmost placement, unchanged base first): chr18-46656962-CA-C. GRCh37 (hg19) VCF-style: chr18-44236925-CA-C.
Other names: c.71del, p.Leu24fs (NM_144612.7); c.71delT (NM_144612.6); c.71del (NM_144612.6); short protein forms L24fs.
Identifiers: ClinVar variation 1457353 (VCV001457353.9), dbSNP rs775267638, ClinGen allele CA8952975.

ClinVar aggregate classification (germline): Pathogenic/Likely pathogenic. Review status: criteria provided, multiple submitters, no conflicts (2 of 4 stars). 5 submissions from 5 submitters: Pathogenic (3); Likely pathogenic (2). Last evaluated 2025-01-02.

Conditions:
Autosomal recessive nonsyndromic hearing loss 77. Identifiers: Orphanet 90636, MedGen C2746083, MONDO:0013119, OMIM 613079.

Allele frequency attached by ClinVar (database versions not stated): TOPMed below 0.00001; gnomAD exomes 0.00002 and 0.00003; ExAC 0.00005.

Submissions (5):

Natera, Inc.
Classification: Pathogenic for Autosomal recessive deafness type 77. Last evaluated: 2025-01-02. Review status: criteria provided, single submitter. Criteria: Natera Variant Classification Schema (03/2026). Collection method: clinical testing. Allele origin: germline.
Comment: The c.71delT variant in LOXHD1 is a frameshift variant predicted to shift the reading frame beginning at codon 24 and leads to a stop codon 74 codons downstream. This variant is expected to result in nonsense mediated decay, truncation, or a dysfunctional protein product. This variant is rare in the general population with a frequency below the threshold expected for the associated phenotype(s). This variant has been observed in one or more individuals affected with the associated recessive disease, as either homozygous or compound heterozygous with a second variant (PMID: 26561413, 29676012). Given the available evidence, this variant is classified as Pathogenic.

Labcorp Genetics (formerly Invitae), Labcorp
Classification: Pathogenic. Last evaluated: 2023-10-18. Review status: criteria provided, single submitter. Criteria: Invitae Variant Classification Sherloc (09022015). Collection method: clinical testing. Allele origin: germline.
Comment: This sequence change creates a premature translational stop signal (p.Leu24Argfs*74) in the LOXHD1 gene. It is expected to result in an absent or disrupted protein product. Loss-of-function variants in LOXHD1 are known to be pathogenic (PMID: 19732867, 21465660, 25792669). This variant is present in population databases (rs775267638, gnomAD 0.02%). This premature translational stop signal has been observed in individual(s) with non-syndromic deafness (PMID: 26561413). ClinVar contains an entry for this variant (Variation ID: 1457353). For these reasons, this variant has been classified as Pathogenic.

Neuberg Centre For Genomic Medicine, NCGM
Classification: Likely pathogenic for Autosomal recessive nonsyndromic hearing loss 77. Last evaluated: 2023-03-01. Review status: criteria provided, single submitter. Criteria: ACMG Guidelines, 2015. Collection method: clinical testing. Allele origin: germline. Inheritance: Autosomal recessive inheritance. Affected: yes.
Comment: The frameshift c.71del(p.Leu24ArgfsTer74) variant in LOXHD1 gene has been reported previously in homozygous state in an individual affected with non-syndromic deafness (Atik T, et. al., 2015). The p.Leu24ArgfsTer74 variant has been reported with allele frequency of 0.003% in gnomAD Exomes and is novel (not in any individuals) in 1000 Genomes. This variant has been reported to the ClinVar database as Pathogenic. This variant causes a frameshift starting with codon Leucine 24, changes this amino acid to Arginine residue, and creates a premature Stop codon at position 74 of the new reading frame, denoted p.Leu24ArgfsTer74. This variant is predicted to cause loss of normal protein function through protein truncation. Loss of function variants in LOXHD1 gene have been previously reported to be pathogenic (Grillet N, et. al., 2009). However, additional functional studies will be required to prove the pathogenicity of this variant. For these reasons, this variant has been classified as Likely Pathogenic.

Revvity Omics, Revvity
Classification: Pathogenic for Autosomal recessive nonsyndromic hearing loss 77. Last evaluated: 2023-02-03. Review status: criteria provided, single submitter. Criteria: ACMG Guidelines, 2015. Collection method: clinical testing. Allele origin: germline.

Clinical Genetics Laboratory, Skane University Hospital Lund
Classification: Likely pathogenic. Last evaluated: 2022-05-27. Review status: criteria provided, single submitter. Criteria: ACMG Guidelines, 2015. Collection method: clinical testing. Allele origin: germline. Affected: yes.

Literature cited by the submitters: PubMed 26561413 (cited by Natera, Inc. and Labcorp Genetics (formerly Invitae), Labcorp); PubMed 29676012 (cited by Natera, Inc.); PubMed 19732867 (cited by Labcorp Genetics (formerly Invitae), Labcorp); PubMed 21465660 (cited by Labcorp Genetics (formerly Invitae), Labcorp); PubMed 25792669 (cited by Labcorp Genetics (formerly Invitae), Labcorp).